The following is an entry in ClinVar:

ClinVar aggregate classification (germline): Likely pathogenic (1 of 4 stars; one submission).

Conditions:
Testosterone 17-beta-dehydrogenase deficiency. Also called: 46,XY disorder of sex development due to 17-beta-hydroxysteroid dehydrogenase 3 deficiency; Pseudohermaphroditism male with gynecomastia; 17-beta hydroxysteroid dehydrogenase 3 deficiency; 17 alpha ketosteroid reductase deficiency of testis; 17 alpha KSR deficiency; Neutral 17 beta hydroxysteroid oxidoreductase deficiency. Identifiers: Orphanet 752, MedGen C0268296, MONDO:0009916, OMIM 264300. Disease mechanism: loss of function.

Submission:

Clinical Biochemistry Laboratory, Health Services Laboratory
Classification: Likely pathogenic for Testosterone 17-beta-dehydrogenase deficiency. Last evaluated: 2023-11-20. Review status: criteria provided, single submitter. Criteria: ACMG Guidelines, 2015. Collection method: clinical testing. Allele origin: germline. Affected: yes.
Comment: ACMG:PVS1 PM2 PP1 PP2 PP3 PP4 PP5

NM_000197.2(HSD17B3):c.1A>G (p.Met1Val)

Genes: HSD17B3 (hydroxysteroid 17-beta dehydrogenase 3; minus strand), SLC35D2-HSD17B3 (SLC35D2-HSD17B3 readthrough; minus strand). Cytogenetic location: 9q22.32.
Variant type: single nucleotide variant.
Coding change: c.1A>G on transcript NM_000197.2 (MANE Select); coding-DNA position 1, A replaced by G.
Protein change: p.Met1Val; changes the start codon (methionine 1).
Molecular consequence: missense variant, initiator codon variant. On other transcripts: non-coding transcript variant (1).
Genome position (GRCh38, 1-based): chr9:96,302,104, T>C on the plus strand (A>G on the coding strand, the complement: HSD17B3 is on the minus strand). VCF-style: chr9-96302104-T-C. GRCh37 (hg19) VCF-style: chr9-99064386-T-C.
Other names: short protein forms M1V.
Identifiers: ClinVar variation 2674663 (VCV002674663.2), dbSNP rs1354232643, ClinGen allele CA374126784.